The following is an entry in ClinVar:

ClinVar aggregate classification (germline): Uncertain significance (1 of 4 stars; one submission).

gnomAD v4.1: 2 of 1,597,812 alleles (0.00013%); highest among the groups gnomAD compares: Non-Finnish European, 0.00017%; no homozygotes.

Submission:

CeGaT Center for Human Genetics Tuebingen
Classification: Uncertain significance. Last evaluated: 2025-08-01. Review status: criteria provided, single submitter. Criteria: CeGaT Center For Human Genetics Tuebingen Variant Classification Criteria Version 2. Collection method: clinical testing. Allele origin: germline. Affected: yes. Observed: 1 variant allele.
Comment: VWA1: PM2

NM_022834.5(VWA1):c.851T>G (p.Val284Gly)

Gene: VWA1 (von Willebrand factor A domain containing 1; plus strand). Cytogenetic location: 1p36.33.
Variant type: single nucleotide variant.
Coding change: c.851T>G on transcript NM_022834.5 (MANE Select); coding-DNA position 851, T replaced by G.
Protein change: p.Val284Gly; replaces valine 284 with glycine.
Molecular consequence: missense variant. On other transcripts: 3 prime UTR variant (1).
Genome position (GRCh38, 1-based): chr1:1,439,300, T>G. VCF-style: chr1-1439300-T-G. GRCh37 (hg19) VCF-style: chr1-1374680-T-G.
Other names: c.*261T>G (NM_199121.3); short protein forms V284G.
Identifiers: ClinVar variation 4085049 (VCV004085049.8).
Genomic context (GRCh38, chr1:1,439,300, plus strand): 5'-ACGCCACGGACTGGATCTGGGCCGGCCTCGACCCGGACACGGACTACGACGTGGCGCTAG[T>G]GCCTGAGTCCAACGTGCGCCTCCTGAGGCCCCAGATCCTGCGGGTGCGCACGCGGCCCGG-3'
Protein context (NP_073745.2, residues 274-294): DPDTDYDVAL[Val284Gly]PESNVRLLRP